The following is an entry in ClinVar:

ClinVar aggregate classification (germline): Conflicting classifications of pathogenicity. Review status: criteria provided, conflicting classifications (1 of 4 stars). 6 submissions from 6 submitters: Pathogenic (4); Likely pathogenic (1); Uncertain significance (1). Last evaluated 2025-07-24.

Conditions:
ENPP1-related disorder. Also called: ENPP1-related condition; ENPP1-related disorders.

Allele frequency attached by ClinVar (database versions not stated): gnomAD 0.00001; gnomAD exomes 0.00001 and 0.00002; TOPMed 0.00001; ExAC 0.00002.

Submissions (6):

GeneDx
Classification: Pathogenic. Last evaluated: 2025-07-24. Review status: criteria provided, single submitter. Criteria: GeneDx Variant Classification Process June 2021. Collection method: clinical testing. Allele origin: germline. Affected: yes.
Comment: Observed in apparent homozygous state in several patients in published literature with generalized arterial calcification of infancy with or without hypophosphatemic rickets and not observed in homozygous state in controls (PMID: 36150100, 33005041, 33465815); Reported with another variant in ENPP1 in a patient with hypophosphatemic rickets, but it is not known whether the variants occurred on the same (in cis) or on different (in trans) chromosomes (PMID: 26377240); Published functional studies demonstrate a damaging effect by significantly reducing relative catalytic velocity (PMID: 38806089); In silico analysis supports that this missense variant has a deleterious effect on protein structure/function; Not observed at significant frequency in large population cohorts (gnomAD); This variant is associated with the following publications: (PMID: 22629037, 26377240, 35475527, 20016754, 27467858, 33465815, 15605415, 33005041, 36150100, 29244957, Collins2025[CaseReport], 38806089)

Women's Health and Genetics/Laboratory Corporation of America, LabCorp
Classification: Pathogenic for ENPP1-Related Disorders. Last evaluated: 2024-11-19. Review status: criteria provided, single submitter. Criteria: LabCorp Variant Classification Summary - May 2015. Collection method: clinical testing. Allele origin: germline.
Comment: Variant summary: ENPP1 c.749C>T (p.Pro250Leu) results in a non-conservative amino acid change located in the Alkaline Phosphatase, subunit A domain (IPR017850) of the encoded protein sequence. Four of four in-silico tools predict a damaging effect of the variant on protein function. The variant allele was found at a frequency of 1.6e-05 in 250572 control chromosomes (gnomAD). c.749C>T has been reported in the literature in multiple individuals affected with Generalized Arterial Calcification of Infancy (Ruf_2005, Thumbigere-Math_2017, Ferreira_2021). These data indicate that the variant is very likely to be associated with disease. To our knowledge, no experimental evidence demonstrating an impact on protein function has been reported. The following publications have been ascertained in the context of this evaluation (PMID: 33005041, 15605415, 29244957). ClinVar contains an entry for this variant (Variation ID: 1076487). Based on the evidence outlined above, the variant was classified as pathogenic.

Labcorp Genetics (formerly Invitae), Labcorp
Classification: Pathogenic. Last evaluated: 2024-09-19. Review status: criteria provided, single submitter. Criteria: Invitae Variant Classification Sherloc (09022015). Collection method: clinical testing. Allele origin: germline.
Comment: This sequence change replaces proline, which is neutral and non-polar, with leucine, which is neutral and non-polar, at codon 250 of the ENPP1 protein (p.Pro250Leu). This variant is present in population databases (rs754659608, gnomAD 0.008%). This missense change has been observed in individual(s) with autosomal recessive generalized arterial calcification of infancy or hypophosphatemic rickets (PMID: 15605415, 26377240, 29244957, 33005041). In at least one individual the data is consistent with being in trans (on the opposite chromosome) from a pathogenic variant. It has also been observed to segregate with disease in related individuals. ClinVar contains an entry for this variant (Variation ID: 1076487). Invitae Evidence Modeling of protein sequence and biophysical properties (such as structural, functional, and spatial information, amino acid conservation, physicochemical variation, residue mobility, and thermodynamic stability) indicates that this missense variant is expected to disrupt ENPP1 protein function with a positive predictive value of 80%. For these reasons, this variant has been classified as Pathogenic.

Revvity Omics, Revvity
Classification: Likely pathogenic. Last evaluated: 2022-10-01. Review status: criteria provided, single submitter. Criteria: ACMG Guidelines, 2015. Collection method: clinical testing. Allele origin: germline.

Blueprint Genetics
Classification: Uncertain significance. Last evaluated: 2020-12-14. Review status: criteria provided, single submitter. Criteria: ACMG Guidelines, 2015. Collection method: clinical testing. Allele origin: germline.

Rady Children's Institute for Genomic Medicine, Rady Children's Hospital San Diego
Classification: Pathogenic for ENPP1-related disorders. Review status: criteria provided, single submitter. Criteria: ACMG Guidelines, 2015. Collection method: clinical testing. Allele origin: germline. Affected: yes.
Comment: This variant has been previously reported as a compound heterozygous and homozygous change in patients with generalized arterial calcification of infancy and/or hypophosphatemic rickets (PMID: 15605415, 29244957, 33005041). The c.749C>T (p.Pro250Leu) variant is located in the catalytic domain, which is a known hotspot domain for pathogenic variations associated with ENPP1-related disorders (PMID: 15605415, 29244957, 33005041). The c.749C>T (p.Pro250Leu) variant is present in the heterozygous state in the gnomAD population database at a frequency of 0.002% (5/281961) and thus is presumed to be rare. The c.749C>T (p.Pro250Leu) variant affects a highly conserved amino acid and is predicted by multiple in silico tools to have a deleterious effect on protein function. Based on the available evidence, the c.749C>T (p.Pro250Leu) variant is classified as Pathogenic.

Literature cited by the submitters: PubMed 33005041 (cited by Women's Health and Genetics/Laboratory Corporation of America, LabCorp and Labcorp Genetics (formerly Invitae), Labcorp); PubMed 15605415 (cited by Women's Health and Genetics/Laboratory Corporation of America, LabCorp and Labcorp Genetics (formerly Invitae), Labcorp); PubMed 29244957 (cited by Women's Health and Genetics/Laboratory Corporation of America, LabCorp and Labcorp Genetics (formerly Invitae), Labcorp); PubMed 26377240 (cited by Labcorp Genetics (formerly Invitae), Labcorp).

NM_006208.3(ENPP1):c.749C>T (p.Pro250Leu)

Gene: ENPP1 (ectonucleotide pyrophosphatase/phosphodiesterase 1; plus strand). Cytogenetic location: 6q23.2.
Variant type: single nucleotide variant.
Coding change: c.749C>T on transcript NM_006208.3 (MANE Select); coding-DNA position 749, C replaced by T.
Protein change: p.Pro250Leu; replaces proline 250 with leucine.
Molecular consequence: missense variant.
Genome position (GRCh38, 1-based): chr6:131,858,701, C>T. VCF-style: chr6-131858701-C-T. GRCh37 (hg19) VCF-style: chr6-132179841-C-T.
Other names: short protein forms P250L.
Identifiers: ClinVar variation 1076487 (VCV001076487.18), dbSNP rs754659608, ClinGen allele CA4001996.